The following is an entry in ClinVar:

NM_006073.4(TRDN):c.431A>G (p.His144Arg)

Gene: TRDN (triadin; minus strand). Cytogenetic location: 6q22.31.
Variant type: single nucleotide variant.
Coding change: c.431A>G on transcript NM_006073.4 (MANE Select); coding-DNA position 431, A replaced by G.
Protein change: p.His144Arg; replaces histidine 144 with arginine.
Molecular consequence: missense variant.
Genome position (GRCh38, 1-based): chr6:123,530,559, T>C on the plus strand (A>G on the coding strand, the complement: TRDN is on the minus strand). VCF-style: chr6-123530559-T-C. GRCh37 (hg19) VCF-style: chr6-123851704-T-C.
Other names: c.431A>G, p.His144Arg (NM_001251987.2, NM_001256020.2, NM_001256021.2 and 2 more transcripts); short protein forms H144R.
Identifiers: ClinVar variation 3810174 (VCV003810174.1).

ClinVar aggregate classification (germline): Uncertain significance (1 of 4 stars; one submission).

Conditions:
Cardiovascular phenotype. Identifiers: MedGen CN230736.

gnomAD v4.1: 1 of 1,252,380 alleles (0.00008%); highest among the groups gnomAD compares: South Asian, 0.0016%; no homozygotes.

Submission:

Ambry Genetics
Classification: Uncertain significance for Cardiovascular phenotype. Last evaluated: 2025-01-21. Review status: criteria provided, single submitter. Criteria: Ambry Variant Classification Scheme 2023. Collection method: clinical testing. Allele origin: germline.
Comment: The p.H144R variant (also known as c.431A>G), located in coding exon 5 of the TRDN gene, results from an A to G substitution at nucleotide position 431. The histidine at codon 144 is replaced by arginine, an amino acid with highly similar properties. This amino acid position is conserved. In addition, this alteration is predicted to be tolerated by in silico analysis. Based on the available evidence, the clinical significance of this variant remains unclear.